The following is an entry in ClinVar:

ClinVar aggregate classification (germline): Conflicting classifications of pathogenicity. Review status: criteria provided, conflicting classifications (1 of 4 stars). 5 submissions from 5 submitters: Uncertain significance (1); Likely benign (3). 1 of the submissions does not count toward it. Last evaluated 2026-01-20.

Conditions:
CLCN7-related disorder. Also called: CLCN7-related condition.
Osteopetrosis. Identifiers: Orphanet 2781, MedGen C0029454, MONDO:0017198, HP:0011002.

Allele frequency attached by ClinVar (database versions not stated): 1000 Genomes Project 30x 0.00016; 1000 Genomes Project 0.00020; gnomAD 0.00022; gnomAD exomes 0.00034 and 0.00074; ExAC 0.00039; TOPMed 0.00039; ESP Exome Variant Server 0.00069.
gnomAD v4.1: 1,126 of 1,614,006 alleles (0.07%); highest among the groups gnomAD compares: Non-Finnish European, 0.091%; no homozygotes.

Submissions (7):

Labcorp Genetics (formerly Invitae), Labcorp
Classification: Likely benign. Last evaluated: 2026-01-20. Review status: criteria provided, single submitter. Criteria: Invitae Variant Classification Sherloc (09022015). Collection method: clinical testing. Allele origin: germline.

CeGaT Center for Human Genetics Tuebingen
Classification: Likely benign. Last evaluated: 2025-01-01. Review status: criteria provided, single submitter. Criteria: CeGaT Center For Human Genetics Tuebingen Variant Classification Criteria Version 2. Collection method: clinical testing. Allele origin: germline. Affected: yes. Observed: 2 variant alleles.
Comment: CLCN7: BP4, BP7

Blueprint Genetics
Classification: Likely benign. Last evaluated: 2024-07-10. Review status: criteria provided, single submitter. Criteria: ACMG Guidelines, 2015. Collection method: clinical testing. Allele origin: germline.

Illumina Laboratory Services, Illumina
Classification: Uncertain significance for Osteopetrosis. Last evaluated: 2018-01-12. Review status: criteria provided, single submitter. Criteria: ICSL Variant Classification Criteria 13 December 2019. Collection method: clinical testing. Allele origin: germline.

PreventionGenetics, part of Exact Sciences
Classification: Likely benign for CLCN7-related condition. Last evaluated: 2023-07-12. Review status: no assertion criteria provided. Collection method: clinical testing. Allele origin: germline. Not counted in ClinVar's aggregate classification.
Comment: This variant is classified as likely benign based on ACMG/AMP sequence variant interpretation guidelines (Richards et al. 2015 PMID: 25741868, with internal and published modifications).

Dr. Peter K. Rogan Lab, Western University
No classification provided (evidence only). Condition: Thyroid cancer, nonmedullary, 1. Review status: no classification provided. Collection method: in vitro. Allele origin: not applicable. Functional consequence: retained intron. Not counted in ClinVar's aggregate classification.

Dr. Peter K. Rogan Lab, Western University
No classification provided (evidence only). Condition: Ovarian serous cystadenocarcinoma. Review status: no classification provided. Collection method: in vitro. Allele origin: not applicable. Functional consequence: retained intron. Not counted in ClinVar's aggregate classification.

NM_001287.6(CLCN7):c.411G>A (p.Thr137=)

Gene: CLCN7 (Cl-/H+ antiporter 7; minus strand). Cytogenetic location: 16p13.3.
Variant type: single nucleotide variant.
Coding change: c.411G>A on transcript NM_001287.6 (MANE Select); coding-DNA position 411, G replaced by A.
Protein change: p.Thr137=; no amino-acid change (threonine 137 retained).
Molecular consequence: synonymous variant.
Genome position (GRCh38, 1-based): chr16:1,460,889, C>T on the plus strand (G>A on the coding strand, the complement: CLCN7 is on the minus strand). VCF-style: chr16-1460889-C-T. GRCh37 (hg19) VCF-style: chr16-1510890-C-T.
Other names: c.339G>A, p.Thr113= (NM_001114331.3).
Identifiers: ClinVar variation 727377 (VCV000727377.32), dbSNP rs139649449, ClinGen allele CA7810796.